The following is an entry in ClinVar:

ClinVar aggregate classification (germline): Uncertain significance (1 of 4 stars; one submission).

Conditions:
Dias-Logan syndrome. Also called: INTELLECTUAL DEVELOPMENTAL DISORDER WITH HEREDITARY PERSISTENCE OF FETAL HEMOGLOBIN; Intellectual developmental disorder with persistence of fetal hemoglobin. Identifiers: Orphanet 619233, MedGen C4310833, MONDO:0014914, OMIM 617101.

Allele frequency attached by ClinVar (database versions not stated): gnomAD 0.00001.
gnomAD v4.1: 38 of 1,614,042 alleles (0.0024%); highest among the groups gnomAD compares: Non-Finnish European, 0.0031%; no homozygotes.

Submission:

Victorian Clinical Genetics Services, Murdoch Childrens Research Institute
Classification: Uncertain significance for Dias-Logan syndrome. Last evaluated: 2024-10-10. Review status: criteria provided, single submitter. Criteria: ACMG Guidelines, 2015. Collection method: clinical testing. Allele origin: germline. Inheritance: Autosomal dominant inheritance. Affected: yes.
Comment: Based on the classification scheme VCGS_Germline_v1.1.1, this variant is classified as 3B-VUS. Following criteria are met: 0102 - Loss-of-function is a known mechanism of disease for this gene. (N) 0107 - This gene is known to be associated with autosomal dominant disease. (N) 0200 - Variant is predicted to result in a missense amino acid change from proline to alanine (exon 2). (N) 0251 - Variant is heterozygous. (N) 0302 - Variant is present in gnomAD <0.001 for a dominant condition (1 heterozyote, 0 homozygotes). (P) 0309 - An alternative amino acid change at the same position has been observed in gnomAD (6 heterozygotes, 0 homozygotes). (N) 0503 - Missense variant consistently predicted to be tolerated or not conserved in mammals with a minor amino acid change. (B) 0604 - Variant is not located in an established domain, motif, hotspot or informative constraint region. (N) 0705 - No comparable variants have previous evidence for pathogenicity. (N) 0807 - Variant has not previously been reported in a clinical context. (N) 0905 - No segregation evidence has been identified for this variant. (N) 1007 - No published functional evidence has been identified for this variant. (N) Legend: (P) - Pathogenic, (N) - Neutral, (B) - Benign

NM_022893.4(BCL11A):c.91C>G (p.Pro31Ala)

Gene: BCL11A (BCL11 transcription factor A; minus strand). Cytogenetic location: 2p16.1.
Variant type: single nucleotide variant.
Coding change: c.91C>G on transcript NM_022893.4 (MANE Select); coding-DNA position 91, C replaced by G.
Protein change: p.Pro31Ala; replaces proline 31 with alanine.
Molecular consequence: missense variant. On other transcripts: 5 prime UTR variant (20).
Genome position (GRCh38, 1-based): chr2:60,546,265, G>C on the plus strand (C>G on the coding strand, the complement: BCL11A is on the minus strand). VCF-style: chr2-60546265-G-C. GRCh37 (hg19) VCF-style: chr2-60773400-G-C.
Other names: c.91C>G, p.Pro31Ala (NM_001405732.1, NM_001405733.1, NM_018014.4 and 10 more transcripts); c.-66C>G (NM_001405734.1, NM_001405735.1, NM_001405736.1 and 10 more transcripts); c.-335C>G (NM_001405720.1, NM_001405721.1); c.-585C>G (NM_001405725.1, NM_001405726.1, NM_001405731.1); c.-442C>G (NM_001405727.1, NM_001405728.1); short protein forms P31A.
Identifiers: ClinVar variation 1805882 (VCV001805882.3), dbSNP rs1483919423, ClinGen allele CA347041134.
Genomic context (GRCh38, chr2:60,546,265, plus strand): 5'-ACTGCCCACAGGTGAGGAGGTCATGATCCCCTTCTGGAGCTCCCAACGGGCCGTGGTCTG[G>C]TTCATCATCTGTAAGAATGGCTTCAAGAGGCTCGGCTGTGGTTGGAGAAACAAAAGCACA-3'
Protein context (NP_075044.2, residues 21-41): PLEAILTDDE[Pro31Ala]DHGPLGAPEG